The following is an entry in ClinVar:

NM_000051.4(ATM):c.2250+15A>G

Gene: ATM (ATM serine/threonine kinase; plus strand). Cytogenetic location: 11q22.3.
Variant type: single nucleotide variant.
Coding change: c.2250+15A>G on transcript NM_000051.4 (MANE Select); 15 bases into the intron after coding-DNA position 2250, A replaced by G.
Molecular consequence: intron variant.
Genome position (GRCh38, 1-based): chr11:108,256,355, A>G. VCF-style: chr11-108256355-A-G. GRCh37 (hg19) VCF-style: chr11-108127082-A-G.
Other names: c.2250+15A>G (NM_001351834.2).
Identifiers: ClinVar variation 390273 (VCV000390273.8), dbSNP rs1057523706, ClinGen allele CA16606787.

ClinVar aggregate classification (germline): Likely benign. Review status: criteria provided, multiple submitters, no conflicts (2 of 4 stars). 2 submissions from 2 submitters: Likely benign (2). Last evaluated 2025-06-17.

Conditions:
Ataxia-telangiectasia syndrome (AT). Also called: AT, COMPLEMENTATION GROUP C; ATAXIA-TELANGIECTASIA, COMPLEMENTATION GROUP A; ATAXIA-TELANGIECTASIA, FRESNO VARIANT; LOUIS-BAR SYNDROME; Ataxia-telangiectasia; Cerebello-oculocutaneous telangiectasia. Identifiers: Orphanet 100, MedGen C0004135, MONDO:0008840, OMIM 208900.

Allele frequency attached by ClinVar (database versions not stated): gnomAD exomes below 0.00001 and 0.00001.
gnomAD v4.1: 7 of 1,604,152 alleles (0.00044%); highest among the groups gnomAD compares: South Asian, 0.0033%; no homozygotes.

Submissions (2):

Labcorp Genetics (formerly Invitae), Labcorp
Classification: Likely benign for Ataxia-telangiectasia syndrome. Last evaluated: 2025-06-17. Review status: criteria provided, single submitter. Criteria: Invitae Variant Classification Sherloc (09022015). Collection method: clinical testing. Allele origin: germline.

GeneDx
Classification: Likely benign. Last evaluated: 2016-10-19. Review status: criteria provided, single submitter. Criteria: GeneDx Variant Classification (06012015). Collection method: clinical testing. Allele origin: germline. Affected: yes.
Comment: This variant is considered likely benign or benign based on one or more of the following criteria: it is a conservative change, it occurs at a poorly conserved position in the protein, it is predicted to be benign by multiple in silico algorithms, and/or has population frequency not consistent with disease.